The following is an entry in ClinVar:

NM_001283009.2(RTEL1):c.3005C>G (p.Pro1002Arg)

Genes: RTEL1 (regulator of telomere elongation helicase 1; plus strand), RTEL1-TNFRSF6B (RTEL1-TNFRSF6B readthrough (NMD candidate); plus strand). Cytogenetic location: 20q13.33.
Variant type: single nucleotide variant.
Coding change: c.3005C>G on transcript NM_001283009.2 (MANE Select); coding-DNA position 3005, C replaced by G.
Protein change: p.Pro1002Arg; replaces proline 1002 with arginine.
Molecular consequence: missense variant. On other transcripts: non-coding transcript variant (1).
Genome position (GRCh38, 1-based): chr20:63,694,384, C>G. VCF-style: chr20-63694384-C-G. GRCh37 (hg19) VCF-style: chr20-62325737-C-G.
Other names: c.2336C>G, p.Pro779Arg (NM_001283010.1); c.3005C>G, p.Pro1002Arg (NM_016434.4); c.3077C>G, p.Pro1026Arg (NM_032957.5); short protein forms P1002R, P779R, P1026R.
Identifiers: ClinVar variation 1449857 (VCV001449857.9), dbSNP rs767735975, ClinGen allele CA9965795.
Genomic context (GRCh38, chr20:63,694,384, plus strand): 5'-TTTCCAGATGCTCTCGACCAGCTTTGTGGCTCTACATCTCTTCATCAGGAAGAACGGCGC[C>G]GGATCCCAAGCTGACCGTGTCCACGGCTGCAGCCCAGCAGCTGGACCCCCAAGAGCACCT-3'
Protein context (NP_001269938.1, residues 992-1012): PVLDPTGRTA[Pro1002Arg]DPKLTVSTAA

ClinVar aggregate classification (germline): Uncertain significance. Review status: criteria provided, multiple submitters, no conflicts (2 of 4 stars). 2 submissions from 2 submitters: Uncertain significance (2). Last evaluated 2025-09-25.

Conditions:
Pulmonary fibrosis and/or bone marrow failure, Telomere-related, 3. Also called: PULMONARY FIBROSIS AND/OR BONE MARROW FAILURE SYNDROME, TELOMERE-RELATED, 3. Identifiers: Orphanet 2032, MedGen C4225346, MONDO:0014613, OMIM 616373.
Dyskeratosis congenita, autosomal recessive 5 (DKCB5). Identifiers: MedGen C3554656, MONDO:0014076, OMIM 615190.
Inborn genetic diseases. Identifiers: MedGen C0950123, MeSH D030342.

Submissions (2):

Ambry Genetics
Classification: Uncertain significance for Inborn genetic diseases. Last evaluated: 2025-09-25. Review status: criteria provided, single submitter. Criteria: Ambry Variant Classification Scheme 2023. Collection method: clinical testing. Allele origin: germline.
Comment: The p.P1002R variant (also known as c.3005C>G), located in coding exon 30 of the RTEL1 gene, results from a C to G substitution at nucleotide position 3005. The proline at codon 1002 is replaced by arginine, an amino acid with dissimilar properties. This amino acid position is conserved. In addition, this alteration is predicted to be tolerated by in silico analysis. Based on the available evidence, the clinical significance of this variant remains unclear.

Labcorp Genetics (formerly Invitae), Labcorp
Classification: Uncertain significance for Dyskeratosis congenita, autosomal recessive 5; Pulmonary fibrosis and/or bone marrow failure, Telomere-related, 3. Last evaluated: 2024-11-07. Review status: criteria provided, single submitter. Criteria: Invitae Variant Classification Sherloc (09022015). Collection method: clinical testing. Allele origin: germline.
Comment: This sequence change replaces proline, which is neutral and non-polar, with arginine, which is basic and polar, at codon 1002 of the RTEL1 protein (p.Pro1002Arg). This variant is present in population databases (rs767735975, gnomAD 0.003%). This variant has not been reported in the literature in individuals affected with RTEL1-related conditions. ClinVar contains an entry for this variant (Variation ID: 1449857). An algorithm developed to predict the effect of missense changes on protein structure and function (PolyPhen-2) suggests that this variant is likely to be tolerated. In summary, the available evidence is currently insufficient to determine the role of this variant in disease. Therefore, it has been classified as a Variant of Uncertain Significance.